The following is an entry in ClinVar:

ClinVar aggregate classification (germline): Uncertain significance. Review status: criteria provided, multiple submitters, no conflicts (2 of 4 stars). 2 submissions from 2 submitters: Uncertain significance (2). Last evaluated 2025-01-01.

Conditions:
Ataxia-telangiectasia syndrome (AT). Also called: Ataxia-telangiectasia, complementation group D; AT, COMPLEMENTATION GROUP C; ATAXIA-TELANGIECTASIA, COMPLEMENTATION GROUP A; ATAXIA-TELANGIECTASIA, FRESNO VARIANT; Ataxia-telangiectasia; Ataxia telangiectasia (A-T). Identifiers: Orphanet 100, MedGen C0004135, MONDO:0008840, OMIM 208900.

Submissions (2):

Labcorp Genetics (formerly Invitae), Labcorp
Classification: Uncertain significance for Ataxia-telangiectasia syndrome. Last evaluated: 2025-01-01. Review status: criteria provided, single submitter. Criteria: Invitae Variant Classification Sherloc (09022015). Collection method: clinical testing. Allele origin: germline.
Comment: This sequence change replaces glycine, which is neutral and non-polar, with arginine, which is basic and polar, at codon 2869 of the ATM protein (p.Gly2869Arg). This variant is not present in population databases (gnomAD no frequency). This variant has not been reported in the literature in individuals affected with ATM-related conditions. ClinVar contains an entry for this variant (Variation ID: 928967). Invitae Evidence Modeling of protein sequence and biophysical properties (such as structural, functional, and spatial information, amino acid conservation, physicochemical variation, residue mobility, and thermodynamic stability) indicates that this missense variant is expected to disrupt ATM protein function with a positive predictive value of 95%. In summary, the available evidence is currently insufficient to determine the role of this variant in disease. Therefore, it has been classified as a Variant of Uncertain Significance.

Women's Health and Genetics/Laboratory Corporation of America, LabCorp
Classification: Uncertain significance. Last evaluated: 2019-10-10. Review status: criteria provided, single submitter. Criteria: LabCorp Variant Classification Summary - May 2015. Collection method: clinical testing. Allele origin: germline.
Comment: Variant summary: ATM c.8605G>C (p.Gly2869Arg) results in a non-conservative amino acid change located in the Phosphatidylinositol 3-/4-kinase, catalytic domain (IPR000403) of the encoded protein sequence. Five of five in-silico tools predict a damaging effect of the variant on protein function. The variant was absent in 250250 control chromosomes (gnomAD). The available data on variant occurrences in the general population are insufficient to allow any conclusion about variant significance. To our knowledge, there are no reports of c.8605G>C in individuals affected with Ataxia-Telangiectasia and no experimental evidence demonstrating the variant's impact on protein function in the literature. No clinical diagnostic laboratories have submitted clinical-significance assessments for this variant to ClinVar after 2014. Based on the evidence outlined above, the variant was classified as uncertain significance.

Literature cited by the submitters: PubMed 27659017 (cited by Women's Health and Genetics/Laboratory Corporation of America, LabCorp).

NM_000051.4(ATM):c.8605G>C (p.Gly2869Arg)

Genes: ATM (ATM serine/threonine kinase; plus strand), C11orf65 (chromosome 11 open reading frame 65; minus strand). Cytogenetic location: 11q22.3.
Variant type: single nucleotide variant.
Coding change: c.8605G>C on transcript NM_000051.4 (MANE Select); coding-DNA position 8605, G replaced by C.
Protein change: p.Gly2869Arg; replaces glycine 2869 with arginine.
Molecular consequence: missense variant. On other transcripts: intron variant (2).
Genome position (GRCh38, 1-based): chr11:108,347,299, G>C. VCF-style: chr11-108347299-G-C. GRCh37 (hg19) VCF-style: chr11-108218026-G-C.
Other names: c.8605G>C, p.Gly2869Arg (NM_001351834.2); c.641-38228C>G (NM_001330368.2); c.695-12007C>G (NM_001351110.2); short protein forms G2869R.
Identifiers: ClinVar variation 928967 (VCV000928967.5), dbSNP rs748855312, ClinGen allele CA382520490.
Genomic context (GRCh38, chr11:108,347,299, plus strand): 5'-GAATCAGTGATTTCAGATTGTTTGTTTCTTTTTTCTCCAGTTGGTTACATACTTGGACTT[G>C]GTGATAGACATGTACAGAATATCTTGATAAATGAGCAGTCAGCAGAACTTGTACATATAG-3'
Protein context (NP_000042.3, residues 2859-2879): SSIVGYILGL[Gly2869Arg]DRHVQNILIN